The following is an entry in ClinVar:

ClinVar aggregate classification (germline): Conflicting classifications of pathogenicity. Review status: criteria provided, conflicting classifications (1 of 4 stars). 4 submissions from 4 submitters: Likely pathogenic (1); Uncertain significance (2); Likely benign (1). Last evaluated 2019-07-01.

Conditions:
Congenital multicore myopathy with external ophthalmoplegia (CMYO1B). Also called: MULTICORE MYOPATHY; Minicore myopathy with external ophthalmoplegia; Congenital myopathy 1B, autosomal recessive; Minicore myopathy; MULTIMINICORE DISEASE WITH EXTERNAL OPHTHALMOPLEGIA. Identifiers: Orphanet 598, Orphanet 98905, MedGen C1850674, MONDO:0009712, OMIM 255320, HP:0003789.
Cardiomyopathy (CMYO). Also called: Cardiomyopathies. Identifiers: Orphanet 167848, MedGen C0878544, MONDO:0004994, HP:0001638. Inheritance: Various modes of inheritance.

Allele frequency attached by ClinVar (database versions not stated): TOPMed 0.00002; gnomAD 0.00010.
gnomAD v4.1: 28 of 1,614,020 alleles (0.0017%); highest among the groups gnomAD compares: East Asian, 0.0022%; no homozygotes.

Submissions (4):

GeneDx
Classification: Likely benign. Last evaluated: 2019-07-01. Review status: criteria provided, single submitter. Criteria: GeneDx Variant Classification Process June 2021. Collection method: clinical testing. Allele origin: germline. Affected: yes.
Comment: See Variant Classification Assertion Criteria.

James R Lupski Laboratory, Baylor College Of Medicine
Classification: Likely pathogenic for Classic multiminicore myopathy. Last evaluated: 2019-07-01. Review status: criteria provided, single submitter. Criteria: ACMG Guidelines, 2015. Collection method: research. Allele origin: germline. Inheritance: Autosomal dominant inheritance. Affected: yes. Observed: 3 variant alleles, 3 heterozygotes. Clinical features observed: Generalized hypotonia (HP:0001290), Congenital muscular dystrophy (HP:0003741), Limited neck flexion (HP:0005991).

CHEO Genetics Diagnostic Laboratory, Children's Hospital of Eastern Ontario
Classification: Uncertain significance for Cardiomyopathy. Last evaluated: 2016-03-09. Review status: criteria provided, single submitter. Criteria: ACMG Guidelines, 2015. Collection method: clinical testing. Allele origin: germline. Study: Canadian Open Genetics Repository.

Eurofins Ntd Llc (ga)
Classification: Uncertain significance. Last evaluated: 2014-12-23. Review status: criteria provided, single submitter. Criteria: EGL Classification Definitions 2015. Collection method: clinical testing. Allele origin: germline. Observed: 4 variant alleles, 4 heterozygotes.

NM_001267550.2(TTN):c.7469G>A (p.Arg2490His)

Genes: TTN (titin; minus strand), LOC126806433 (BRD4-independent group 4 enhancer GRCh37_chr2:179638309-179639508; plus strand). Cytogenetic location: 2q31.2.
Variant type: single nucleotide variant.
Coding change: c.7469G>A on transcript NM_001267550.2 (MANE Select); coding-DNA position 7469, G replaced by A.
Protein change: p.Arg2490His; replaces arginine 2490 with histidine.
Molecular consequence: missense variant.
Genome position (GRCh38, 1-based): chr2:178,773,587, C>T on the plus strand (G>A on the coding strand, the complement: TTN is on the minus strand). VCF-style: chr2-178773587-C-T. GRCh37 (hg19) VCF-style: chr2-179638314-C-T.
Other names: c.7469G>A, p.Arg2490His (NM_001256850.1, NM_133378.4, NM_133379.5); c.7331G>A, p.Arg2444His (NM_003319.4, NM_133432.3, NM_133437.4); short protein forms R2490H, R2444H.
Identifiers: ClinVar variation 196800 (VCV000196800.13), dbSNP rs148920986, ClinGen allele CA244182.
Genomic context (GRCh38, chr2:178,773,587, plus strand): 5'-GAAGCATGAGTTCGGTTAATGACTAGTCGCTGTTTAGTACCTTTCACAATGGCCTGTACA[C>T]GGTCATCAGGCTTGATTTGTTCATCATTTAAGTACCACTTAACAGAAGTCACATCAGGGA-3'
Protein context (NP_001254479.2, residues 2480-2500): LNDEQIKPDD[Arg2490His]VQAIVKGTKQ